The following is an entry in ClinVar:

ClinVar aggregate classification (germline): Uncertain significance (1 of 4 stars; one submission).

Conditions:
Inborn genetic diseases. Identifiers: MedGen C0950123, MeSH D030342.

Submission:

Ambry Genetics
Classification: Uncertain significance for Inborn genetic diseases. Last evaluated: 2024-12-02. Review status: criteria provided, single submitter. Criteria: Ambry Variant Classification Scheme 2023. Collection method: clinical testing. Allele origin: germline.
Comment: The p.E239G variant (also known as c.716A>G), located in coding exon 6 of the ANKRD26 gene, results from an A to G substitution at nucleotide position 716. The glutamic acid at codon 239 is replaced by glycine, an amino acid with similar properties. This amino acid position is conserved. In addition, this alteration is predicted to be tolerated by in silico analysis. Based on the available evidence, the clinical significance of this variant remains unclear.

NM_014915.3(ANKRD26):c.716A>G (p.Glu239Gly)

Gene: ANKRD26 (ankyrin repeat domain containing 26; minus strand). Cytogenetic location: 10p12.1.
Variant type: single nucleotide variant.
Coding change: c.716A>G on transcript NM_014915.3 (MANE Select); coding-DNA position 716, A replaced by G.
Protein change: p.Glu239Gly; replaces glutamic acid 239 with glycine.
Molecular consequence: missense variant.
Genome position (GRCh38, 1-based): chr10:27,082,827, T>C on the plus strand (A>G on the coding strand, the complement: ANKRD26 is on the minus strand). VCF-style: chr10-27082827-T-C. GRCh37 (hg19) VCF-style: chr10-27371756-T-C.
Other names: c.716A>G, p.Glu239Gly (NM_001256053.2); short protein forms E239G.
Identifiers: ClinVar variation 3397084 (VCV003397084.1).